The following is an entry in ClinVar:

ClinVar aggregate classification (germline): other (0 of 4 stars; one submission).

Conditions:
Familial colorectal cancer. Identifiers: MedGen CN280943, MONDO:0023113. Disease mechanism: loss of function.

Submission:

Systems Biology Platform Zhejiang California International NanoSystems Institute
Classification: other for Familial colorectal cancer. Review status: no assertion criteria provided. Collection method: not provided. Allele origin: unknown.
ClinVar note: Converted during submission from cancer to other.

NM_000038.6(APC):c.136-358C>A

Gene: APC (APC regulator of WNT signaling pathway; plus strand). Cytogenetic location: 5q22.2.
Variant type: single nucleotide variant.
Coding change: c.136-358C>A on transcript NM_000038.6 (MANE Select); 358 bases into the intron before coding-DNA position 136, C replaced by A.
Molecular consequence: intron variant.
Genome position (GRCh38, 1-based): chr5:112,765,968, C>A. VCF-style: chr5-112765968-C-A. GRCh37 (hg19) VCF-style: chr5-112101665-C-A.
Other names: c.136-358C>A (NM_001354895.2, NM_001127510.3, NM_001354896.2 and 2 more transcripts); c.166-358C>A (NM_001354897.2, NM_001354902.2, NM_001127511.3); c.61-358C>A (NM_001354898.2, NM_001354904.2); c.-900-358C>A (NM_001354906.2); c.-42-358C>A (NM_001354900.2, NM_001354901.2, NM_001354905.2).
Identifiers: ClinVar variation 82393 (VCV000082393.2), dbSNP rs79439776, ClinGen allele CA004738.